The following is an entry in ClinVar:

ClinVar aggregate classification (germline): Pathogenic/Likely pathogenic. Review status: criteria provided, multiple submitters, no conflicts (2 of 4 stars). 2 submissions from 2 submitters: Pathogenic (1); Likely pathogenic (1). Last evaluated 2024-02-25.

Conditions:
Xeroderma pigmentosum, group C (XPC). Also called: XPC-Related Xeroderma Pigmentosum; Xeroderma pigmentosum, complementation group C; XERODERMA PIGMENTOSUM III; XP, GROUP C. Identifiers: Orphanet 910, MedGen C2752147, MONDO:0010211, OMIM 278720.

gnomAD v4.1: 2 of 1,613,248 alleles (0.00012%); highest among the groups gnomAD compares: Non-Finnish European, 0.00017%; no homozygotes.

Submissions (2):

Baylor Genetics
Classification: Likely pathogenic for Xeroderma pigmentosum, group C. Last evaluated: 2024-02-25. Review status: criteria provided, single submitter. Criteria: ACMG Guidelines, 2015. Collection method: clinical testing. Allele origin: unknown.

Labcorp Genetics (formerly Invitae), Labcorp
Classification: Pathogenic. Last evaluated: 2022-10-29. Review status: criteria provided, single submitter. Criteria: Invitae Variant Classification Sherloc (09022015). Collection method: clinical testing. Allele origin: germline.
Comment: For these reasons, this variant has been classified as Pathogenic. This variant has not been reported in the literature in individuals affected with XPC-related conditions. This variant is not present in population databases (gnomAD no frequency). This sequence change creates a premature translational stop signal (p.Gln172*) in the XPC gene. It is expected to result in an absent or disrupted protein product. Loss-of-function variants in XPC are known to be pathogenic (PMID: 23173980, 25256075).

Literature cited by the submitters: PubMed 23173980 (cited by Labcorp Genetics (formerly Invitae), Labcorp); PubMed 25256075 (cited by Labcorp Genetics (formerly Invitae), Labcorp).

NM_004628.5(XPC):c.514C>T (p.Gln172Ter)

Gene: XPC (XPC complex subunit, DNA damage recognition and repair factor; minus strand). Cytogenetic location: 3p25.1.
Variant type: single nucleotide variant.
Coding change: c.514C>T on transcript NM_004628.5 (MANE Select); coding-DNA position 514, C replaced by T.
Protein change: p.Gln172Ter; replaces glutamine 172 with a stop codon.
Molecular consequence: nonsense. On other transcripts: non-coding transcript variant (1), intron variant (1).
Genome position (GRCh38, 1-based): chr3:14,168,279, G>A on the plus strand (C>T on the coding strand, the complement: XPC is on the minus strand). VCF-style: chr3-14168279-G-A. GRCh37 (hg19) VCF-style: chr3-14209779-G-A.
Other names: c.514C>T, p.Gln172Ter (NM_001354727.2, NM_001354730.2); c.496C>T, p.Gln166Ter (NM_001354729.2); c.-43-1026C>T (NM_001354726.2); short protein forms Q172*, Q166*.
Identifiers: ClinVar variation 2805968 (VCV002805968.4), dbSNP rs778940656, ClinGen allele CA351542488.
Genomic context (GRCh38, chr3:14,168,279, plus strand): 5'-CATGTGACAGGAGCCTAGAAGCAAGGGCCTAAGCTTACCTTCTTTCTCTTGTCTTCGCCT[G>A]CTCTGGCGTTTCAATCTCTATCTCCACTGGCTTCACAGGCAGAAGAGATCGAGAGAAGGC-3'